The following is an entry in ClinVar:

ClinVar aggregate classification (germline): Uncertain significance (1 of 4 stars; one submission).

Allele frequency attached by ClinVar (database versions not stated): gnomAD exomes 0.00002; gnomAD 0.00003; TOPMed 0.00003.
gnomAD v4.1: 11 of 1,339,020 alleles (0.00082%); highest among the groups gnomAD compares: Admixed American, 0.037%; no homozygotes.

Submission:

Labcorp Genetics (formerly Invitae), Labcorp
Classification: Uncertain significance. Last evaluated: 2026-01-05. Review status: criteria provided, single submitter. Criteria: Invitae Variant Classification Sherloc (09022015). Collection method: clinical testing. Allele origin: germline.
Comment: This sequence change replaces alanine, which is neutral and non-polar, with threonine, which is neutral and polar, at codon 141 of the ARID1A protein (p.Ala141Thr). This variant is not present in population databases (gnomAD no frequency). This variant has not been reported in the literature in individuals affected with ARID1A-related conditions. ClinVar contains an entry for this variant (Variation ID: 2413760). Invitae Evidence Modeling of protein sequence and biophysical properties (such as structural, functional, and spatial information, amino acid conservation, physicochemical variation, residue mobility, and thermodynamic stability) indicates that this missense variant is not expected to disrupt ARID1A protein function with a negative predictive value of 95%. In summary, the available evidence is currently insufficient to determine the role of this variant in disease. Therefore, it has been classified as a Variant of Uncertain Significance.

NM_006015.6(ARID1A):c.421G>A (p.Ala141Thr)

Gene: ARID1A (AT-rich interaction domain 1A; plus strand). Cytogenetic location: 1p36.11.
Variant type: single nucleotide variant.
Coding change: c.421G>A on transcript NM_006015.6 (MANE Select); coding-DNA position 421, G replaced by A.
Protein change: p.Ala141Thr; replaces alanine 141 with threonine.
Molecular consequence: missense variant.
Genome position (GRCh38, 1-based): chr1:26,696,824, G>A. VCF-style: chr1-26696824-G-A. GRCh37 (hg19) VCF-style: chr1-27023315-G-A.
Other names: c.421G>A, p.Ala141Thr (NM_139135.4); short protein forms A141T.
Identifiers: ClinVar variation 2413760 (VCV002413760.6), dbSNP rs1392898464, ClinGen allele CA339265152.